The following is an entry in ClinVar:

NM_001220.5(CAMK2B):c.1837G>C (p.Asp613His)

Gene: CAMK2B (calcium/calmodulin dependent protein kinase II beta; minus strand). Cytogenetic location: 7p13.
Variant type: single nucleotide variant.
Coding change: c.1837G>C on transcript NM_001220.5 (MANE Select); coding-DNA position 1837, G replaced by C.
Protein change: p.Asp613His; replaces aspartic acid 613 with histidine.
Molecular consequence: missense variant.
Genome position (GRCh38, 1-based): chr7:44,220,226, C>G on the plus strand (G>C on the coding strand, the complement: CAMK2B is on the minus strand). VCF-style: chr7-44220226-C-G. GRCh37 (hg19) VCF-style: chr7-44259825-C-G.
Other names: c.1465G>C, p.Asp489His (NM_001293170.2, NM_172078.3); c.1393G>C, p.Asp465His (NM_172079.3); c.1390G>C, p.Asp464His (NM_172080.3); c.1348G>C, p.Asp450His (NM_172081.3); c.1315G>C, p.Asp439His (NM_172082.3); c.1276G>C, p.Asp426His (NM_172083.3); c.1186G>C, p.Asp396His (NM_172084.3); short protein forms D396H, D426H, D439H, D450H, D464H, D465H, D489H, D613H.
Identifiers: ClinVar variation 1806231 (VCV001806231.1), dbSNP rs2484762579, ClinGen allele CA367368621.

ClinVar aggregate classification (germline): Uncertain significance (1 of 4 stars; one submission).

Conditions:
Intellectual developmental disorder, autosomal dominant 54. Also called: MENTAL RETARDATION, AUTOSOMAL DOMINANT 54; Intellectual disability, autosomal dominant 54. Identifiers: MedGen C4540484, MONDO:0030920, OMIM 617799.

Submission:

Victorian Clinical Genetics Services, Murdoch Childrens Research Institute
Classification: Uncertain significance for Intellectual developmental disorder, autosomal dominant 54. Last evaluated: 2020-05-25. Review status: criteria provided, single submitter. Criteria: ACMG Guidelines, 2015. Collection method: clinical testing. Allele origin: germline. Inheritance: Autosomal dominant inheritance. Affected: yes.
Comment: A heterozygous missense variant, NM_172079.2(CAMK2B):c.1393G>C, has been identified in exon 19 of 20 of the CAMK2B gene. The variant is predicted to result in a moderate amino acid change from aspartic acid to histidine at position 465 of the protein (NP_742076.1(CAMK2B):p.(Asp465His)). The aspartic acid residue at this position has moderate conservation (100 vertebrates, UCSC), and is located within the CaMKII associated domain. In silico predictions for this variant are consistently pathogenic (Polyphen, SIFT, CADD, Mutation Taster). The variant is absent in population databases (gnomAD) and has not been previously reported in clinical cases. Based on the information available at the time of curation, this variant has been classified as a VARIANT of UNCERTAIN SIGNIFICANCE (VUS) with LOW CLINICAL RELEVANCE.